The following is an entry in ClinVar:

ClinVar aggregate classification (germline): Pathogenic. Review status: criteria provided, single submitter (1 of 4 stars). 2 submissions from 2 submitters: Pathogenic (1). 1 of the submissions does not count toward it. Last evaluated 2024-01-30.

Conditions:
Polycystic kidney disease, adult type (PKD1). Also called: POLYCYSTIC KIDNEY DISEASE, ADULT, TYPE I; Polycystic Kidney Disease 1, Autosomal Dominant; Polycystic kidney disease 1; Polycystic kidney disease 1, severe; Polycystic Kidney, Autosomal Dominant; POLYCYSTIC KIDNEY DISEASE 1 WITH OR WITHOUT POLYCYSTIC LIVER DISEASE. Identifiers: MedGen C3149841, MONDO:0008263, OMIM 173900.
Polycystic kidney disease. Also called: Polycystic kidney dysplasia; Kidney, Polycystic. Identifiers: MedGen C0022680, MeSH D007690, MONDO:0020642, HP:0000113.

Submissions (2):

Fulgent Genetics
Classification: Pathogenic for Polycystic kidney disease, adult type. Last evaluated: 2024-01-30. Review status: criteria provided, single submitter. Criteria: ACMG Guidelines, 2015. Collection method: clinical testing. Allele origin: germline.

Department of Pathology and Laboratory Medicine, Sinai Health System
Classification: Pathogenic for Polycystic Kidney disease. Review status: no assertion criteria provided. Collection method: clinical testing. Allele origin: unknown. Affected: yes. Study: The Canadian Open Genetics Repository (COGR). Not counted in ClinVar's aggregate classification.
Comment: The PKD1 c.359+2T>G variant was not identified in the literature nor was it identified in the dbSNP, ClinVar, GeneInsight-COGR, LOVD 3.0, ADPKD Mutation Database or PKD1-LOVD databases. The variant was not identified in the following control databases: the 1000 Genomes Project, the NHLBI GO Exome Sequencing Project, the Exome Aggregation Consortium (August 8th 2016), or the Genome Aggregation Database (Feb 27, 2017). The c.359+2T>G variant is predicted to cause abnormal splicing because the nucleotide substitution occurs in the invariant region of the splice consensus sequence. In addition, 4 of 5 in silico or computational prediction software programs (SpliceSiteFinder, MaxEntScan, NNSPLICE, GeneSplicer, HumanSpliceFinder) predict a greater than 10% difference in splicing. Please note another variant, c.359+2T>C at the same position with different nucleotide change was found in ADPKD Mutation Database and was classified as definitely pathogenic. The c.359+2T>C was also found in 2 families with ADPKD (Irazabal 2011, Rossetti 2012). In summary, based on the above information, this variant meets our laboratoryâ€šÃ„Ã´s criteria to be classified as pathogenic.

NM_001009944.3(PKD1):c.359+2T>G

Gene: PKD1 (polycystin 1, transient receptor potential channel interacting; minus strand). Cytogenetic location: 16p13.3.
Variant type: single nucleotide variant.
Coding change: c.359+2T>G on transcript NM_001009944.3 (MANE Select); the canonical splice donor site of the intron after coding-DNA position 359, T replaced by G.
Molecular consequence: splice donor variant.
Genome position (GRCh38, 1-based): chr16:2,119,112, A>C on the plus strand (T>G on the coding strand, the complement: PKD1 is on the minus strand). VCF-style: chr16-2119112-A-C. GRCh37 (hg19) VCF-style: chr16-2169113-A-C.
Other names: c.359+2T>G (NM_000296.4).
Identifiers: ClinVar variation 997379 (VCV000997379.3), dbSNP rs2092683440, ClinGen allele CA394395797.